The following is an entry in ClinVar:

NM_024854.5(PYROXD1):c.649+1_649+2del

Gene: PYROXD1 (pyridine nucleotide-disulphide oxidoreductase domain 1; plus strand). Cytogenetic location: 12p12.1.
Variant type: Deletion.
Coding change: c.649+1_649+2del on transcript NM_024854.5 (MANE Select); the canonical splice donor site of the intron after coding-DNA position 649, 2 bases deleted (GT; older notation c.649+1_649+2delGT).
Molecular consequence: splice donor variant.
Genome position (GRCh38, 1-based): chr12:21,455,293-21,455,294, GT deleted. VCF-style (leftmost placement, unchanged base first): chr12-21455292-GGT-G. GRCh37 (hg19) VCF-style: chr12-21608226-GGT-G.
Other names: c.-129+1_-129+2del (NM_001350913.2); c.436+1_436+2del (NM_001350912.2).
Identifiers: ClinVar variation 2794865 (VCV002794865.3), dbSNP rs1399200035, ClinGen allele CA603967473.
Genomic context (GRCh38, chr12:21,455,292, plus strand): 5'-CTCATTGCTGAAAAATCAGAGGCTAAAATTGCACATAAAAGAACCAGATATACAACTGAA[GGT>G]AAGTGTAGCACCTAGCTCATTAATTCTCATACAAAACTTTTTTAAAACCATATAGAAAAG-3'

ClinVar aggregate classification (germline): Pathogenic (1 of 4 stars; one submission).

Allele frequency attached by ClinVar (database versions not stated): TOPMed 0.00001.

Submission:

Labcorp Genetics (formerly Invitae), Labcorp
Classification: Pathogenic. Last evaluated: 2023-08-22. Review status: criteria provided, single submitter. Criteria: Invitae Variant Classification Sherloc (09022015). Collection method: clinical testing. Allele origin: germline.
Comment: For these reasons, this variant has been classified as Pathogenic. Algorithms developed to predict the effect of sequence changes on RNA splicing suggest that this variant may disrupt the consensus splice site. Disruption of this splice site has been observed in individual(s) with clinical features of myofibrillar myopathy (Invitae). In at least one individual the data is consistent with being in trans (on the opposite chromosome) from a pathogenic variant. This variant is present in population databases (no rsID available, gnomAD 0.001%). This sequence change affects a splice site in intron 6 of the PYROXD1 gene. It is expected to disrupt RNA splicing. Variants that disrupt the donor or acceptor splice site typically lead to a loss of protein function (PMID: 16199547), and loss-of-function variants in PYROXD1 are known to be pathogenic (PMID: 27745833).

Literature cited by the submitters: PubMed 16199547; PubMed 27745833.